The following is an entry in ClinVar:

ClinVar aggregate classification (germline): Likely benign. Review status: criteria provided, multiple submitters, no conflicts (2 of 4 stars). 3 submissions from 3 submitters: Likely benign (3). Last evaluated 2026-01-23.

Conditions:
DRAM2-related disorder. Also called: DRAM2-related condition.

Allele frequency attached by ClinVar (database versions not stated): ExAC 0.00005; gnomAD exomes 0.00010; TOPMed 0.00013; gnomAD 0.00017 and 0.00018; ESP Exome Variant Server 0.00023.
gnomAD v4.1: 273 of 1,612,178 alleles (0.017%); highest among the groups gnomAD compares: Non-Finnish European, 0.022%; no homozygotes.

Submissions (3):

Labcorp Genetics (formerly Invitae), Labcorp
Classification: Likely benign. Last evaluated: 2026-01-23. Review status: criteria provided, single submitter. Criteria: Invitae Variant Classification Sherloc (09022015). Collection method: clinical testing. Allele origin: germline.

PreventionGenetics, part of Exact Sciences
Classification: Likely benign for DRAM2-related condition. Last evaluated: 2024-10-21. Review status: criteria provided, single submitter. Criteria: ACMG Guidelines, 2015. Collection method: clinical testing. Allele origin: germline.
Comment: This variant is classified as likely benign based on ACMG/AMP sequence variant interpretation guidelines (Richards et al. 2015 PMID: 25741868, with internal and published modifications).

Blueprint Genetics
Classification: Likely benign. Last evaluated: 2024-10-17. Review status: criteria provided, single submitter. Criteria: ACMG Guidelines, 2015. Collection method: clinical testing. Allele origin: germline.

NM_001349884.2(DRAM2):c.594G>A (p.Glu198=)

Gene: DRAM2 (DNA damage regulated autophagy modulator 2; minus strand). Cytogenetic location: 1p13.3.
Variant type: single nucleotide variant.
Coding change: c.594G>A on transcript NM_001349884.2 (MANE Select); coding-DNA position 594, G replaced by A.
Protein change: p.Glu198=; no amino-acid change (glutamic acid 198 retained).
Molecular consequence: synonymous variant. On other transcripts: non-coding transcript variant (8).
Genome position (GRCh38, 1-based): chr1:111,119,883, C>T on the plus strand (G>A on the coding strand, the complement: DRAM2 is on the minus strand). VCF-style: chr1-111119883-C-T. GRCh37 (hg19) VCF-style: chr1-111662505-C-T.
Other names: c.594G>A, p.Glu198= (NM_001349881.2, NM_001349882.2, NM_001349885.2 and 1 more transcripts); c.324G>A, p.Glu108= (NM_001349886.2, NM_001349887.2, NM_001349888.2); c.204G>A, p.Glu68= (NM_001349889.2, NM_001349890.2, NM_001349891.2 and 2 more transcripts); c.594G>A (NM_178454.4).
Identifiers: ClinVar variation 1100111 (VCV001100111.11), dbSNP rs141550729, ClinGen allele CA1001793.